The following is an entry in ClinVar:

NM_018136.5(ASPM):c.2267A>G (p.Tyr756Cys)

Gene: ASPM (assembly factor for spindle microtubules; minus strand). Cytogenetic location: 1q31.3.
Variant type: single nucleotide variant.
Coding change: c.2267A>G on transcript NM_018136.5 (MANE Select); coding-DNA position 2267, A replaced by G.
Protein change: p.Tyr756Cys; replaces tyrosine 756 with cysteine.
Molecular consequence: missense variant.
Genome position (GRCh38, 1-based): chr1:197,133,502, T>C on the plus strand (A>G on the coding strand, the complement: ASPM is on the minus strand). VCF-style: chr1-197133502-T-C. GRCh37 (hg19) VCF-style: chr1-197102632-T-C.
Other names: c.2267A>G, p.Tyr756Cys (NM_001206846.2); short protein forms Y756C.
Identifiers: ClinVar variation 294646 (VCV000294646.43), dbSNP rs201066146, ClinGen allele CA1310505.

ClinVar aggregate classification (germline): Benign/Likely benign. Review status: criteria provided, multiple submitters, no conflicts (2 of 4 stars). 8 submissions from 8 submitters: Benign (1); Likely benign (6). 1 of the submissions does not count toward it. Last evaluated 2025-10-14.

Conditions:
ASPM-related disorder. Also called: ASPM-related condition.
Inborn genetic diseases. Identifiers: MedGen C0950123, MeSH D030342.
Microcephaly 5, primary, autosomal recessive (MCPH5). Also called: ASPM Primary Microcephaly. Identifiers: Orphanet 2512, MedGen C1837501, MONDO:0012106, OMIM 608716.

Allele frequency attached by ClinVar (database versions not stated): ESP Exome Variant Server 0.00015; TOPMed 0.00022; gnomAD 0.00031 and 0.00049; gnomAD exomes 0.00085 and 0.00142; ExAC 0.00149; 1000 Genomes Project 0.00180; 1000 Genomes Project 30x 0.00187.
gnomAD v4.1: 1,312 of 1,614,140 alleles (0.081%); highest among the groups gnomAD compares: South Asian, 0.96%; 15 homozygotes.

Submissions (8):

Labcorp Genetics (formerly Invitae), Labcorp
Classification: Benign. Last evaluated: 2025-10-14. Review status: criteria provided, single submitter. Criteria: Invitae Variant Classification Sherloc (09022015). Collection method: clinical testing. Allele origin: germline.

CeGaT Center for Human Genetics Tuebingen
Classification: Likely benign. Last evaluated: 2025-01-01. Review status: criteria provided, single submitter. Criteria: CeGaT Center For Human Genetics Tuebingen Variant Classification Criteria Version 2. Collection method: clinical testing. Allele origin: germline. Affected: yes. Observed: 2 variant alleles.
Comment: ASPM: BS2

Genome-Nilou Lab
Classification: Likely benign for Microcephaly 5, primary, autosomal recessive. Last evaluated: 2023-04-11. Review status: criteria provided, single submitter. Criteria: ACMG Guidelines, 2015. Collection method: clinical testing. Allele origin: germline. Affected: no.

Ambry Genetics
Classification: Likely benign for Inborn genetic diseases. Last evaluated: 2022-02-10. Review status: criteria provided, single submitter. Criteria: Ambry Variant Classification Scheme 2023. Collection method: clinical testing. Allele origin: germline.

GeneDx
Classification: Likely benign. Last evaluated: 2019-02-22. Review status: criteria provided, single submitter. Criteria: GeneDx Variant Classification Process June 2021. Collection method: clinical testing. Allele origin: germline. Affected: yes.

Illumina Laboratory Services, Illumina
Classification: Likely benign for Microcephaly 5, primary, autosomal recessive. Last evaluated: 2018-01-13. Review status: criteria provided, single submitter. Criteria: ICSL Variant Classification Criteria 13 December 2019. Collection method: clinical testing. Allele origin: germline.
Comment: This variant was observed in the ICSL laboratory as part of a predisposition screen in an ostensibly healthy population. It had not been previously curated by ICSL or reported in the Human Gene Mutation Database (HGMD: prior to June 1st, 2018), and was therefore a candidate for classification through an automated scoring system. Utilizing variant allele frequency, disease prevalence and penetrance estimates, and inheritance mode, an automated score was calculated to assess if this variant is too frequent to cause the disease. Based on the score and internal cut-off values, a variant classified as likely benign is not then subjected to further curation. The score for this variant resulted in a classification of likely benign for this disease.

Breakthrough Genomics
Classification: Likely benign. Review status: criteria provided, single submitter. Criteria: ACMG Guidelines, 2015. Collection method: not provided. Allele origin: germline. Inheritance: Autosomal recessive inheritance. Affected: yes.

PreventionGenetics, part of Exact Sciences
Classification: Benign for ASPM-related condition. Last evaluated: 2020-01-28. Review status: no assertion criteria provided. Collection method: clinical testing. Allele origin: germline. Not counted in ClinVar's aggregate classification.
Comment: This variant is classified as benign based on ACMG/AMP sequence variant interpretation guidelines (Richards et al. 2015 PMID: 25741868, with internal and published modifications).